The following is an entry in ClinVar:

NM_174878.3(CLRN1):c.254-2A>T

Gene: CLRN1 (clarin 1; minus strand). Cytogenetic location: 3q25.1.
Variant type: single nucleotide variant.
Coding change: c.254-2A>T on transcript NM_174878.3 (MANE Select); the canonical splice acceptor site of the intron before coding-DNA position 254, A replaced by T.
Molecular consequence: splice acceptor variant.
Genome position (GRCh38, 1-based): chr3:150,941,763, T>A on the plus strand (A>T on the coding strand, the complement: CLRN1 is on the minus strand). VCF-style: chr3-150941763-T-A. GRCh37 (hg19) VCF-style: chr3-150659550-T-A.
Other names: c.26-2A>T (NM_052995.2); c.254-2A>T (NM_001195794.1); c.426-2A>T (NM_001256819.2).
Identifiers: ClinVar variation 2836611 (VCV002836611.3), dbSNP rs1713861377, ClinGen allele CA354956256.

ClinVar aggregate classification (germline): Likely pathogenic (1 of 4 stars; one submission).

Submission:

Labcorp Genetics (formerly Invitae), Labcorp
Classification: Likely pathogenic. Last evaluated: 2023-02-13. Review status: criteria provided, single submitter. Criteria: Invitae Variant Classification Sherloc (09022015). Collection method: clinical testing. Allele origin: germline.
Comment: This variant is not present in population databases (gnomAD no frequency). This sequence change affects an acceptor splice site in intron 1 of the CLRN1 gene. It is expected to disrupt RNA splicing. Variants that disrupt the donor or acceptor splice site typically lead to a loss of protein function (PMID: 16199547), and loss-of-function variants in CLRN1 are known to be pathogenic (PMID: 11524702, 24498627). Disruption of this splice site has been observed in individual(s) with Usher syndrome (PMID: 27957503). Algorithms developed to predict the effect of sequence changes on RNA splicing suggest that this variant may disrupt the consensus splice site. In summary, the currently available evidence indicates that the variant is pathogenic, but additional data are needed to prove that conclusively. Therefore, this variant has been classified as Likely Pathogenic.

Literature cited by the submitters: PubMed 16199547; PubMed 11524702; PubMed 24498627; PubMed 27957503.